The following is an entry in ClinVar:

ClinVar aggregate classification (germline): Uncertain significance (1 of 4 stars; one submission).

Conditions:
Compton-North congenital myopathy (CMYO12). Identifiers: Orphanet 210163, MedGen C2675527, MONDO:0012929, OMIM 612540.

Submission:

Labcorp Genetics (formerly Invitae), Labcorp
Classification: Uncertain significance for Compton-North congenital myopathy. Last evaluated: 2021-07-26. Review status: criteria provided, single submitter. Criteria: Invitae Variant Classification Sherloc (09022015). Collection method: clinical testing. Allele origin: germline.
Comment: In summary, the available evidence is currently insufficient to determine the role of this variant in disease. Therefore, it has been classified as a Variant of Uncertain Significance. Advanced modeling of protein sequence and biophysical properties (such as structural, functional, and spatial information, amino acid conservation, physicochemical variation, residue mobility, and thermodynamic stability) performed at Invitae indicates that this missense variant is not expected to disrupt CNTN1 protein function. This variant has not been reported in the literature in individuals affected with CNTN1-related conditions. This variant is not present in population databases (ExAC no frequency). This sequence change replaces glutamic acid with alanine at codon 1017 of the CNTN1 protein (p.Glu1017Ala). The glutamic acid residue is moderately conserved and there is a moderate physicochemical difference between glutamic acid and alanine.

NM_001843.4(CNTN1):c.3050A>C (p.Glu1017Ala)

Gene: CNTN1 (contactin 1; plus strand). Cytogenetic location: 12q12.
Variant type: single nucleotide variant.
Coding change: c.3050A>C on transcript NM_001843.4 (MANE Select); coding-DNA position 3050, A replaced by C.
Protein change: p.Glu1017Ala; replaces glutamic acid 1017 with alanine.
Molecular consequence: missense variant.
Genome position (GRCh38, 1-based): chr12:41,070,028, A>C. VCF-style: chr12-41070028-A-C. GRCh37 (hg19) VCF-style: chr12-41463830-A-C.
Other names: c.3017A>C, p.Glu1006Ala (NM_175038.2); short protein forms E1006A, E1017A.
Identifiers: ClinVar variation 1369084 (VCV001369084.8), dbSNP rs2121173738, ClinGen allele CA384590257.
Genomic context (GRCh38, chr12:41,070,028, plus strand): 5'-CCCTATCCCCAAGTCTTCTCGGCTTACTGCTGCCTGCCTTTGGCATCCTTGTCTACTTGG[A>C]ATTCTGAATGTGTTGTGACAGCTGCTGTTCCCATCCCAGCTCAGAAGACACCCTTCAACC-3'
Protein context (NP_001834.2, residues 1007-1018): LPAFGILVYL[Glu1017Ala]F